The following is an entry in ClinVar:

ClinVar aggregate classification (germline): Uncertain significance. Review status: criteria provided, multiple submitters, no conflicts (2 of 4 stars). 6 submissions from 6 submitters: Uncertain significance (3). 3 of the submissions do not count toward it. Last evaluated 2024-05-23.

Conditions:
Abetalipoproteinaemia (ABL). Also called: Abetalipoproteinemia; Abetalipoproteinemia neuropathy; Apolipoprotein B deficiency; Congenital betalipoprotein deficiency syndrome; MTP DEFICIENCY. Identifiers: Orphanet 14, MedGen C0000744, MONDO:0008692, OMIM 200100, HP:0008181.
Inborn genetic diseases. Identifiers: MedGen C0950123, MeSH D030342.

Allele frequency attached by ClinVar (database versions not stated): ExAC 0.00003; gnomAD exomes 0.00004 and 0.00006; TOPMed 0.00007; gnomAD 0.00008 and 0.00009.
gnomAD v4.1: 102 of 1,614,050 alleles (0.0063%); highest among the groups gnomAD compares: Non-Finnish European, 0.0086%; no homozygotes.

Submissions (6):

Ambry Genetics
Classification: Uncertain significance for Inborn genetic diseases. Last evaluated: 2024-05-23. Review status: criteria provided, single submitter. Criteria: Ambry Variant Classification Scheme 2023. Collection method: clinical testing. Allele origin: germline.

Labcorp Genetics (formerly Invitae), Labcorp
Classification: Uncertain significance. Last evaluated: 2022-04-17. Review status: criteria provided, single submitter. Criteria: Invitae Variant Classification Sherloc (09022015). Collection method: clinical testing. Allele origin: germline.
Comment: This sequence change replaces leucine, which is neutral and non-polar, with valine, which is neutral and non-polar, at codon 44 of the MTTP protein (p.Leu44Val). This variant is present in population databases (rs779068565, gnomAD 0.007%). This variant has not been reported in the literature in individuals affected with MTTP-related conditions. ClinVar contains an entry for this variant (Variation ID: 972557). Algorithms developed to predict the effect of missense changes on protein structure and function output the following: SIFT: "Tolerated"; PolyPhen-2: "Benign"; Align-GVGD: "Class C0". The valine amino acid residue is found in multiple mammalian species, which suggests that this missense change does not adversely affect protein function. In summary, the available evidence is currently insufficient to determine the role of this variant in disease. Therefore, it has been classified as a Variant of Uncertain Significance.

Mayo Clinic Laboratories, Mayo Clinic
Classification: Uncertain significance. Last evaluated: 2021-02-01. Review status: criteria provided, single submitter. Criteria: ACMG Guidelines, 2015. Collection method: clinical testing. Allele origin: germline. Observed: 1 variant allele.

Natera, Inc.
Classification: Uncertain significance for Abetalipoproteinemia. Last evaluated: 2020-02-26. Review status: no assertion criteria provided. Collection method: clinical testing. Allele origin: germline. Not counted in ClinVar's aggregate classification.

Clinical Genetics DNA and cytogenetics Diagnostics Lab, Erasmus MC, Erasmus Medical Center
Classification: Likely benign. Review status: no assertion criteria provided. Collection method: clinical testing. Allele origin: germline. Affected: yes. Study: VKGL Data-share Consensus. Not counted in ClinVar's aggregate classification.

Clinical Genetics, Academic Medical Center
Classification: Likely benign. Review status: no assertion criteria provided. Collection method: clinical testing. Allele origin: germline. Affected: yes. Study: VKGL Data-share Consensus. Not counted in ClinVar's aggregate classification.

NM_001386140.1(MTTP):c.130C>G (p.Leu44Val)

Gene: MTTP (microsomal triglyceride transfer protein; plus strand). Cytogenetic location: 4q23.
Variant type: single nucleotide variant.
Coding change: c.130C>G on transcript NM_001386140.1 (MANE Select); coding-DNA position 130, C replaced by G.
Protein change: p.Leu44Val; replaces leucine 44 with valine.
Molecular consequence: missense variant. On other transcripts: 5 prime UTR variant (1).
Genome position (GRCh38, 1-based): chr4:99,581,973, C>G. VCF-style: chr4-99581973-C-G. GRCh37 (hg19) VCF-style: chr4-100503130-C-G.
Other names: c.130C>G, p.Leu44Val (NM_000253.4); c.-120C>G (NM_001300785.2); c.130C>G (NM_000253.2); short protein forms L44V.
Identifiers: ClinVar variation 972557 (VCV000972557.13), dbSNP rs779068565, ClinGen allele CA3021747.